The following is an entry in ClinVar:

NM_001987.5(ETV6):c.573G>T (p.Arg191=)

Gene: ETV6 (ETS variant transcription factor 6; plus strand). Cytogenetic location: 12p13.2.
Variant type: single nucleotide variant.
Coding change: c.573G>T on transcript NM_001987.5 (MANE Select); coding-DNA position 573, G replaced by T.
Protein change: p.Arg191=; no amino-acid change (arginine 191 retained).
Molecular consequence: synonymous variant.
Genome position (GRCh38, 1-based): chr12:11,869,533, G>T. VCF-style: chr12-11869533-G-T. GRCh37 (hg19) VCF-style: chr12-12022467-G-T.
Identifiers: ClinVar variation 750137 (VCV000750137.40), dbSNP rs35030220, ClinGen allele CA6454287.

ClinVar aggregate classification (germline): Benign/Likely benign. Review status: criteria provided, multiple submitters, no conflicts (2 of 4 stars). 7 submissions from 7 submitters: Benign (3); Likely benign (4). Last evaluated 2026-02-01.

Conditions:
Inborn genetic diseases. Identifiers: MedGen C0950123, MeSH D030342.

Allele frequency attached by ClinVar (database versions not stated): gnomAD 0.00016; ESP Exome Variant Server 0.00023; TOPMed 0.00029.
gnomAD v4.1: 631 of 1,613,910 alleles (0.039%); highest among the groups gnomAD compares: Non-Finnish European, 0.029%; 1 homozygote.

Submissions (7):

Labcorp Genetics (formerly Invitae), Labcorp
Classification: Benign. Last evaluated: 2026-02-01. Review status: criteria provided, single submitter. Criteria: Invitae Variant Classification Sherloc (09022015). Collection method: clinical testing. Allele origin: germline.

Blueprint Genetics
Classification: Likely benign. Last evaluated: 2024-11-13. Review status: criteria provided, single submitter. Criteria: ACMG Guidelines, 2015. Collection method: clinical testing. Allele origin: germline.

Ambry Genetics
Classification: Likely benign for Inborn genetic diseases. Last evaluated: 2024-10-02. Review status: criteria provided, single submitter. Criteria: Ambry Variant Classification Scheme 2023. Collection method: clinical testing. Allele origin: germline.

CeGaT Center for Human Genetics Tuebingen
Classification: Benign. Last evaluated: 2022-06-01. Review status: criteria provided, single submitter. Criteria: CeGaT Center For Human Genetics Tuebingen Variant Classification Criteria Version 2. Collection method: clinical testing. Allele origin: germline. Affected: yes. Observed: 2 variant alleles.
Comment: ETV6: BP4, BS1, BS2

Genetic Services Laboratory, University of Chicago
Classification: Benign. Last evaluated: 2021-04-07. Review status: criteria provided, single submitter. Criteria: ACMG Guidelines, 2015. Collection method: clinical testing. Allele origin: germline. Affected: no.

GeneDx
Classification: Likely benign. Last evaluated: 2020-06-05. Review status: criteria provided, single submitter. Criteria: GeneDx Variant Classification Process June 2021. Collection method: clinical testing. Allele origin: germline. Affected: yes.

Breakthrough Genomics
Classification: Likely benign. Review status: criteria provided, single submitter. Criteria: ACMG Guidelines, 2015. Collection method: not provided. Allele origin: germline. Inheritance: Autosomal dominant inheritance. Affected: yes.